The following is an entry in ClinVar:

ClinVar aggregate classification (germline): Uncertain significance. Review status: criteria provided, multiple submitters, no conflicts (2 of 4 stars). 3 submissions from 3 submitters: Uncertain significance (3). Last evaluated 2024-11-15.

Allele frequency attached by ClinVar (database versions not stated): gnomAD exomes below 0.00001.
gnomAD v4.1: 1 of 1,608,066 alleles (0.000062%); highest among the groups gnomAD compares: Non-Finnish European, 0.000085%; no homozygotes.

Submissions (3):

Labcorp Genetics (formerly Invitae), Labcorp
Classification: Uncertain significance. Last evaluated: 2024-11-15. Review status: criteria provided, single submitter. Criteria: Invitae Variant Classification Sherloc (09022015). Collection method: clinical testing. Allele origin: germline.
Comment: This sequence change falls in intron 21 of the COL11A2 gene. It does not directly change the encoded amino acid sequence of the COL11A2 protein. It affects a nucleotide within the consensus splice site. This variant is not present in population databases (gnomAD no frequency). This variant has not been reported in the literature in individuals affected with COL11A2-related conditions. ClinVar contains an entry for this variant (Variation ID: 179480). Variants that disrupt the consensus splice site are a relatively common cause of aberrant splicing (PMID: 17576681, 9536098). Algorithms developed to predict the effect of sequence changes on RNA splicing suggest that this variant may disrupt the consensus splice site. In summary, the available evidence is currently insufficient to determine the role of this variant in disease. Therefore, it has been classified as a Variant of Uncertain Significance.

GeneDx
Classification: Uncertain significance. Last evaluated: 2023-08-25. Review status: criteria provided, single submitter. Criteria: GeneDx Variant Classification Process June 2021. Collection method: clinical testing. Allele origin: germline. Affected: yes.
Comment: Has not been previously published as pathogenic or benign to our knowledge; Not observed at significant frequency in large population cohorts (gnomAD); In silico analysis supports a deleterious effect on splicing

Laboratory for Molecular Medicine, Mass General Brigham Personalized Medicine
Classification: Uncertain significance. Last evaluated: 2014-04-11. Review status: criteria provided, single submitter. Criteria: LMM Criteria. Collection method: clinical testing. Allele origin: germline. Observed: 3 variant alleles.
Comment: Variant classified as Uncertain Significance - Favor Pathogenic. It has not been identified in large population studies. Computational tools suggest an impact to splicing, tho ugh this information is not predictive enough to determine pathogenicity. In sum mary, the clinical significance of this variant cannot be determined with certai nty; however, based upon the possible impact on splicing and the segregation dat a, we lean towards a more likely pathogenic role.

Literature cited by the submitters: PubMed 17576681 (cited by Labcorp Genetics (formerly Invitae), Labcorp); PubMed 9536098 (cited by Labcorp Genetics (formerly Invitae), Labcorp).

NM_080680.3(COL11A2):c.1872+5G>A

Gene: COL11A2 (collagen type XI alpha 2 chain; minus strand). Cytogenetic location: 6p21.32.
Variant type: single nucleotide variant.
Coding change: c.1872+5G>A on transcript NM_080680.3 (MANE Select); 5 bases into the intron after coding-DNA position 1872, G replaced by A.
Molecular consequence: intron variant.
Genome position (GRCh38, 1-based): chr6:33,178,127, C>T on the plus strand (G>A on the coding strand, the complement: COL11A2 is on the minus strand). VCF-style: chr6-33178127-C-T. GRCh37 (hg19) VCF-style: chr6-33145904-C-T.
Other names: c.1551+5G>A (NM_080679.3); c.1614+5G>A (NM_080681.3).
Identifiers: ClinVar variation 179480 (VCV000179480.10), dbSNP rs727504891, ClinGen allele CA184508.